The following is an entry in ClinVar:

NM_001142800.2(EYS):c.8899T>C (p.Tyr2967His)

Genes: EYS (EGF-like photoreceptor maintenance factor; minus strand), PHF3 (PHD finger protein 3; plus strand). Cytogenetic location: 6q12.
Variant type: single nucleotide variant.
Coding change: c.8899T>C on transcript NM_001142800.2 (MANE Select); coding-DNA position 8899, T replaced by C.
Protein change: p.Tyr2967His; replaces tyrosine 2967 with histidine.
Molecular consequence: missense variant. On other transcripts: 3 prime UTR variant (5).
Genome position (GRCh38, 1-based): chr6:63,721,132, A>G on the plus strand (T>C on the coding strand, the complement: EYS is on the minus strand). VCF-style: chr6-63721132-A-G. GRCh37 (hg19) VCF-style: chr6-64431028-A-G.
Other names: c.8899T>C (NM_001142800.1); c.*7424A>G (NM_001290259.2, NM_001370348.2, NM_001370349.2 and 2 more transcripts); c.8962T>C, p.Tyr2988His (NM_001292009.2); short protein forms Y2988H, Y2967H.
Identifiers: ClinVar variation 1979846 (VCV001979846.2), dbSNP rs747345818, ClinGen allele CA3876684.

ClinVar aggregate classification (germline): Uncertain significance. Review status: criteria provided, multiple submitters, no conflicts (2 of 4 stars). 2 submissions from 2 submitters: Uncertain significance (2). Last evaluated 2025-08-25.

Conditions:
Inborn genetic diseases. Identifiers: MedGen C0950123, MeSH D030342.

Allele frequency attached by ClinVar (database versions not stated): gnomAD exomes below 0.00001; gnomAD 0.00006; ExAC 0.00005; TOPMed 0.00005.
gnomAD v4.1: 14 of 1,551,386 alleles (0.0009%); highest among the groups gnomAD compares: African/African-American, 0.015%; no homozygotes.

Submissions (2):

Ambry Genetics
Classification: Uncertain significance for Inborn genetic diseases. Last evaluated: 2025-08-25. Review status: criteria provided, single submitter. Criteria: Ambry Variant Classification Scheme 2023. Collection method: clinical testing. Allele origin: germline.

Labcorp Genetics (formerly Invitae), Labcorp
Classification: Uncertain significance. Last evaluated: 2022-07-26. Review status: criteria provided, single submitter. Criteria: Invitae Variant Classification Sherloc (09022015). Collection method: clinical testing. Allele origin: germline.
Comment: This sequence change replaces tyrosine, which is neutral and polar, with histidine, which is basic and polar, at codon 2967 of the EYS protein (p.Tyr2967His). This variant is present in population databases (rs747345818, gnomAD 0.01%). This variant has not been reported in the literature in individuals affected with EYS-related conditions. Algorithms developed to predict the effect of missense changes on protein structure and function output the following: SIFT: "Deleterious"; PolyPhen-2: "Possibly Damaging"; Align-GVGD: "Class C0". The histidine amino acid residue is found in multiple mammalian species, which suggests that this missense change does not adversely affect protein function. In summary, the available evidence is currently insufficient to determine the role of this variant in disease. Therefore, it has been classified as a Variant of Uncertain Significance.